The following is an entry in ClinVar:

ClinVar aggregate classification (germline): Uncertain significance (1 of 4 stars; one submission).

Conditions:
Early-infantile DEE. Also called: Ohtahara syndrome; Early infantile epileptic encephalopathy with suppression bursts; Early infantile epileptic encephalopathy. Identifiers: Orphanet 1934, MedGen C0393706, MONDO:0800491.

Allele frequency attached by ClinVar (database versions not stated): TOPMed below 0.00001.

Submission:

Labcorp Genetics (formerly Invitae), Labcorp
Classification: Uncertain significance for Early-infantile DEE. Last evaluated: 2024-11-04. Review status: criteria provided, single submitter. Criteria: Invitae Variant Classification Sherloc (09022015). Collection method: clinical testing. Allele origin: germline.
Comment: This sequence change replaces serine, which is neutral and polar, with threonine, which is neutral and polar, at codon 760 of the HCN1 protein (p.Ser760Thr). This variant is not present in population databases (gnomAD no frequency). This variant has not been reported in the literature in individuals affected with HCN1-related conditions. ClinVar contains an entry for this variant (Variation ID: 1421395). Invitae Evidence Modeling of protein sequence and biophysical properties (such as structural, functional, and spatial information, amino acid conservation, physicochemical variation, residue mobility, and thermodynamic stability) indicates that this missense variant is not expected to disrupt HCN1 protein function with a negative predictive value of 95%. In summary, the available evidence is currently insufficient to determine the role of this variant in disease. Therefore, it has been classified as a Variant of Uncertain Significance.

NM_021072.4(HCN1):c.2279G>C (p.Ser760Thr)

Gene: HCN1 (hyperpolarization activated cyclic nucleotide gated potassium channel 1; minus strand). Cytogenetic location: 5p12.
Variant type: single nucleotide variant.
Coding change: c.2279G>C on transcript NM_021072.4 (MANE Select); coding-DNA position 2279, G replaced by C.
Protein change: p.Ser760Thr; replaces serine 760 with threonine.
Molecular consequence: missense variant.
Genome position (GRCh38, 1-based): chr5:45,262,315, C>G on the plus strand (G>C on the coding strand, the complement: HCN1 is on the minus strand). VCF-style: chr5-45262315-C-G. GRCh37 (hg19) VCF-style: chr5-45262417-C-G.
Other names: short protein forms S760T.
Identifiers: ClinVar variation 1421395 (VCV001421395.9), dbSNP rs1744761859, ClinGen allele CA359703668.